The following is an entry in ClinVar:

NM_001165963.4(SCN1A):c.1589G>T (p.Arg530Met)

Gene: SCN1A (sodium voltage-gated channel alpha subunit 1; minus strand). Cytogenetic location: 2q24.3.
Variant type: single nucleotide variant.
Coding change: c.1589G>T on transcript NM_001165963.4 (MANE Select); coding-DNA position 1589, G replaced by T.
Protein change: p.Arg530Met; replaces arginine 530 with methionine.
Molecular consequence: missense variant. On other transcripts: non-coding transcript variant (1), 5 prime UTR variant (1).
Genome position (GRCh38, 1-based): chr2:166,045,116, C>A on the plus strand (G>T on the coding strand, the complement: SCN1A is on the minus strand). VCF-style: chr2-166045116-C-A. GRCh37 (hg19) VCF-style: chr2-166901626-C-A.
Other names: c.1589G>T, p.Arg530Met (NM_006920.6, NM_001165964.3, NM_001202435.3 and 7 more transcripts); c.1586G>T, p.Arg529Met (NM_001353954.2, NM_001353955.2, NM_001353960.2); c.-837G>T (NM_001353961.2); short protein forms R530M, R529M.
Identifiers: ClinVar variation 3703956 (VCV003703956.2).

ClinVar aggregate classification (germline): Uncertain significance (1 of 4 stars; one submission).

Conditions:
Early-infantile DEE. Also called: Early infantile epileptic encephalopathy with suppression bursts; Early infantile epileptic encephalopathy; Ohtahara syndrome. Identifiers: Orphanet 1934, MedGen C0393706, MONDO:0800491.

Submission:

Labcorp Genetics (formerly Invitae), Labcorp
Classification: Uncertain significance for Early-infantile DEE. Last evaluated: 2025-09-16. Review status: criteria provided, single submitter. Criteria: Invitae Variant Classification Sherloc (09022015). Collection method: clinical testing. Allele origin: germline.
Comment: This sequence change replaces arginine, which is basic and polar, with methionine, which is neutral and non-polar, at codon 530 of the SCN1A protein (p.Arg530Met). This variant is present in population databases (rs149404623, gnomAD 0.002%). This variant has not been reported in the literature in individuals affected with SCN1A-related conditions. ClinVar contains an entry for this variant (Variation ID: 3703956). Invitae Evidence Modeling of protein sequence and biophysical properties (such as structural, functional, and spatial information, amino acid conservation, physicochemical variation, residue mobility, and thermodynamic stability) has been performed for this missense variant. However, the output from this modeling did not meet the statistical confidence thresholds required to predict the impact of this variant on SCN1A protein function. In summary, the available evidence is currently insufficient to determine the role of this variant in disease. Therefore, it has been classified as a Variant of Uncertain Significance.